The following is an entry in ClinVar:

ClinVar aggregate classification (germline): Uncertain significance (1 of 4 stars; one submission).

Submission:

GeneDx
Classification: Uncertain significance. Last evaluated: 2024-06-24. Review status: criteria provided, single submitter. Criteria: GeneDx Variant Classification Process June 2021. Collection method: clinical testing. Allele origin: germline. Affected: yes.
Comment: Not observed at significant frequency in large population cohorts (gnomAD); In silico analysis supports that this missense variant has a deleterious effect on protein structure/function; In silico analysis supports that this missense variant has a deleterious effect on splicing; Has not been previously published as pathogenic or benign to our knowledge

NM_001348716.2(KDM6B):c.3564C>G (p.Ile1188Met)

Gene: KDM6B (lysine demethylase 6B; plus strand). Cytogenetic location: 17p13.1.
Variant type: single nucleotide variant.
Coding change: c.3564C>G on transcript NM_001348716.2 (MANE Select); coding-DNA position 3564, C replaced by G.
Protein change: p.Ile1188Met; replaces isoleucine 1188 with methionine.
Molecular consequence: missense variant.
Genome position (GRCh38, 1-based): chr17:7,849,944, C>G. VCF-style: chr17-7849944-C-G. GRCh37 (hg19) VCF-style: chr17-7753262-C-G.
Other names: c.3564C>G, p.Ile1188Met (NM_001080424.2); short protein forms I1188M.
Identifiers: ClinVar variation 3392717 (VCV003392717.1).